The following is an entry in ClinVar:

NM_000059.4(BRCA2):c.3589A>G (p.Lys1197Glu)

Gene: BRCA2 (BRCA2 DNA repair associated; plus strand). Cytogenetic location: 13q13.1.
Variant type: single nucleotide variant.
Coding change: c.3589A>G on transcript NM_000059.4 (MANE Select); coding-DNA position 3589, A replaced by G.
Protein change: p.Lys1197Glu; replaces lysine 1197 with glutamic acid.
Molecular consequence: missense variant.
Genome position (GRCh38, 1-based): chr13:32,337,944, A>G. VCF-style: chr13-32337944-A-G. GRCh37 (hg19) VCF-style: chr13-32912081-A-G.
Other names: c.3589A>G, p.Lys1197Glu (NM_001406719.1, NM_001406720.1); short protein forms K1197E.
Identifiers: ClinVar variation 1732964 (VCV001732964.5), dbSNP rs1309043028, ClinGen allele CA387777425.

ClinVar aggregate classification (germline): Conflicting classifications of pathogenicity. Review status: criteria provided, conflicting classifications (1 of 4 stars). 2 submissions from 2 submitters: Uncertain significance (1); Likely benign (1). Last evaluated 2023-08-05.

Conditions:
Hereditary cancer-predisposing syndrome. Also called: Neoplastic Syndromes, Hereditary; Tumor predisposition; Hereditary Cancer Syndrome; Hereditary neoplastic syndrome. Identifiers: Orphanet 140162, MedGen C0027672, MeSH D009386, MONDO:0015356.

Submissions (2):

Ambry Genetics
Classification: Uncertain significance for Hereditary cancer-predisposing syndrome. Last evaluated: 2023-08-05. Review status: criteria provided, single submitter. Criteria: Ambry Variant Classification Scheme 2023. Collection method: clinical testing. Allele origin: germline.
Comment: The p.K1197E variant (also known as c.3589A>G), located in coding exon 10 of the BRCA2 gene, results from an A to G substitution at nucleotide position 3589. The lysine at codon 1197 is replaced by glutamic acid, an amino acid with similar properties. This amino acid position is not well conserved in available vertebrate species. In addition, this alteration is predicted to be tolerated by in silico analysis. Since supporting evidence is limited at this time, the clinical significance of this alteration remains unclear.

University of Washington Department of Laboratory Medicine, University of Washington
Classification: Likely benign for Hereditary cancer-predisposing syndrome. Last evaluated: 2023-03-23. Review status: criteria provided, single submitter. Criteria: Dines et al. (Genet Med. 2020). Collection method: curation. Allele origin: germline.
Comment: Missense variant in a coldspot region where missense variants are very unlikely to be pathogenic (PMID:31911673).

BRCA2 exon 11 coldspot. Reclassification based on statistical prior probability.